The following is an entry in ClinVar:

ClinVar aggregate classification (germline): Uncertain significance (1 of 4 stars; one submission).

Conditions:
TH-deficient dopa-responsive dystonia. Also called: Tyrosine Hydroxylase-Deficient Dopa-Responsive Dystonia; Segawa syndrome, autosomal recessive; DYT-TH. Identifiers: Orphanet 101150, MedGen C2673535, MONDO:0011551, OMIM 605407.

gnomAD v4.1: 2 of 1,543,794 alleles (0.00013%); highest among the groups gnomAD compares: Admixed American, 0.0039%; no homozygotes.

Submission:

Labcorp Genetics (formerly Invitae), Labcorp
Classification: Uncertain significance for TH-deficient dopa-responsive dystonia. Last evaluated: 2022-05-04. Review status: criteria provided, single submitter. Criteria: Invitae Variant Classification Sherloc (09022015). Collection method: clinical testing. Allele origin: germline.
Comment: This sequence change replaces leucine, which is neutral and non-polar, with valine, which is neutral and non-polar, at codon 495 of the TH protein (p.Leu495Val). This variant is present in population databases (rs777421313, gnomAD 0.004%). This variant has not been reported in the literature in individuals affected with TH-related conditions. Advanced modeling of protein sequence and biophysical properties (such as structural, functional, and spatial information, amino acid conservation, physicochemical variation, residue mobility, and thermodynamic stability) performed at Invitae indicates that this missense variant is not expected to disrupt TH protein function. Algorithms developed to predict the effect of sequence changes on RNA splicing suggest that this variant may create or strengthen a splice site. In summary, the available evidence is currently insufficient to determine the role of this variant in disease. Therefore, it has been classified as a Variant of Uncertain Significance.

NM_000360.4(TH):c.1390C>G (p.Leu464Val)

Gene: TH (tyrosine hydroxylase; minus strand). Cytogenetic location: 11p15.5.
Variant type: single nucleotide variant.
Coding change: c.1390C>G on transcript NM_000360.4 (MANE Select); coding-DNA position 1390, C replaced by G.
Protein change: p.Leu464Val; replaces leucine 464 with valine.
Molecular consequence: missense variant.
Genome position (GRCh38, 1-based): chr11:2,164,337, G>C on the plus strand (C>G on the coding strand, the complement: TH is on the minus strand). VCF-style: chr11-2164337-G-C. GRCh37 (hg19) VCF-style: chr11-2185567-G-C.
Other names: c.1483C>G, p.Leu495Val (NM_199292.3); c.1471C>G, p.Leu491Val (NM_199293.3); short protein forms L464V, L491V, L495V.
Identifiers: ClinVar variation 2198347 (VCV002198347.1), dbSNP rs777421313, ClinGen allele CA5818254.